The following is an entry in ClinVar:

NM_015335.5(MED13L):c.5282C>A (p.Pro1761Gln)

Gene: MED13L (mediator complex subunit 13L; minus strand). Cytogenetic location: 12q24.21.
Variant type: single nucleotide variant.
Coding change: c.5282C>A on transcript NM_015335.5 (MANE Select); coding-DNA position 5282, C replaced by A.
Protein change: p.Pro1761Gln; replaces proline 1761 with glutamine.
Molecular consequence: missense variant.
Genome position (GRCh38, 1-based): chr12:115,980,832, G>T on the plus strand (C>A on the coding strand, the complement: MED13L is on the minus strand). VCF-style: chr12-115980832-G-T. GRCh37 (hg19) VCF-style: chr12-116418637-G-T.
Other names: short protein forms P1761Q.
Identifiers: ClinVar variation 1719373 (VCV001719373.6), dbSNP rs1877277272, ClinGen allele CA386880271.

ClinVar aggregate classification (germline): Uncertain significance (1 of 4 stars; one submission).

Conditions:
Dextro-looped transposition of the great arteries. Also called: Dextrotransposition of the great arteries. Identifiers: Orphanet 860, MedGen C3531771, MONDO:0019443, OMIM 608808, HP:0031348.

Submission:

Labcorp Genetics (formerly Invitae), Labcorp
Classification: Uncertain significance for Dextro-looped transposition of the great arteries. Last evaluated: 2022-09-14. Review status: criteria provided, single submitter. Criteria: Invitae Variant Classification Sherloc (09022015). Collection method: clinical testing. Allele origin: germline.
Comment: In summary, the available evidence is currently insufficient to determine the role of this variant in disease. Therefore, it has been classified as a Variant of Uncertain Significance. This sequence change replaces proline, which is neutral and non-polar, with glutamine, which is neutral and polar, at codon 1761 of the MED13L protein (p.Pro1761Gln). This variant is not present in population databases (gnomAD no frequency). This variant has not been reported in the literature in individuals affected with MED13L-related conditions. Advanced modeling of protein sequence and biophysical properties (such as structural, functional, and spatial information, amino acid conservation, physicochemical variation, residue mobility, and thermodynamic stability) has been performed at Invitae for this missense variant, however the output from this modeling did not meet the statistical confidence thresholds required to predict the impact of this variant on MED13L protein function.